The following is an entry in ClinVar:

ClinVar aggregate classification (germline): Pathogenic (1 of 4 stars; one submission).

Conditions:
Combined immunodeficiency due to ZAP70 deficiency (IMD48). Also called: Immunodeficiency 48; ZAP70 Deficiency. Identifiers: Orphanet 911, MedGen C2931299, MONDO:0010023, OMIM 269840.

Submission:

Labcorp Genetics (formerly Invitae), Labcorp
Classification: Pathogenic for ZAP70-Related Severe Combined Immunodeficiency. Last evaluated: 2019-07-12. Review status: criteria provided, single submitter. Criteria: Invitae Variant Classification Sherloc (09022015). Collection method: clinical testing. Allele origin: germline.
Comment: This sequence change creates a premature translational stop signal (p.Tyr87*) in the ZAP70 gene. It is expected to result in an absent or disrupted protein product. This variant is not present in population databases (ExAC no frequency). This variant has not been reported in the literature in individuals with ZAP70-related conditions. Loss-of-function variants in ZAP70 are known to be pathogenic (PMID: 8202712). For these reasons, this variant has been classified as Pathogenic.

NM_001079.4(ZAP70):c.261C>G (p.Tyr87Ter)

Gene: ZAP70 (zeta chain of T cell receptor associated protein kinase 70; plus strand). Cytogenetic location: 2q11.2.
Variant type: single nucleotide variant.
Coding change: c.261C>G on transcript NM_001079.4 (MANE Select); coding-DNA position 261, C replaced by G.
Protein change: p.Tyr87Ter; replaces tyrosine 87 with a stop codon.
Molecular consequence: nonsense.
Genome position (GRCh38, 1-based): chr2:97,724,297, C>G. VCF-style: chr2-97724297-C-G. GRCh37 (hg19) VCF-style: chr2-98340760-C-G.
Other names: c.261C>G, p.Tyr87Ter (NM_001378594.1); short protein forms Y87*.
Identifiers: ClinVar variation 954252 (VCV000954252.1), dbSNP rs200679671, ClinGen allele CA347790207.